The following is an entry in ClinVar:

NM_022454.4(SOX17):c.566C>G (p.Pro189Arg)

Gene: SOX17 (SRY-box transcription factor 17; plus strand). Cytogenetic location: 8q11.23.
Variant type: single nucleotide variant.
Coding change: c.566C>G on transcript NM_022454.4 (MANE Select); coding-DNA position 566, C replaced by G.
Protein change: p.Pro189Arg; replaces proline 189 with arginine.
Molecular consequence: missense variant.
Genome position (GRCh38, 1-based): chr8:54,459,316, C>G. VCF-style: chr8-54459316-C-G. GRCh37 (hg19) VCF-style: chr8-55371876-C-G.
Other names: short protein forms P189R.
Identifiers: ClinVar variation 3664065 (VCV003664065.2).
Genomic context (GRCh38, chr8:54,459,316, plus strand): 5'-CCGAGGGCGGCCGCGTGGCCATGGACGGCCTGGGCCTCCAGTTCCCCGAGCAGGGCTTCC[C>G]CGCCGGCCCGCCGCTGCTGCCTCCGCACATGGGCGGCCACTACCGCGACTGCCAGAGTCT-3'
Protein context (NP_071899.1, residues 179-199): LGLQFPEQGF[Pro189Arg]AGPPLLPPHM

ClinVar aggregate classification (germline): Uncertain significance (1 of 4 stars; one submission).

Submission:

Labcorp Genetics (formerly Invitae), Labcorp
Classification: Uncertain significance. Last evaluated: 2024-09-03. Review status: criteria provided, single submitter. Criteria: Invitae Variant Classification Sherloc (09022015). Collection method: clinical testing. Allele origin: germline.
Comment: This sequence change replaces proline, which is neutral and non-polar, with arginine, which is basic and polar, at codon 189 of the SOX17 protein (p.Pro189Arg). This variant is not present in population databases (gnomAD no frequency). This variant has not been reported in the literature in individuals affected with SOX17-related conditions. Invitae Evidence Modeling of protein sequence and biophysical properties (such as structural, functional, and spatial information, amino acid conservation, physicochemical variation, residue mobility, and thermodynamic stability) indicates that this missense variant is not expected to disrupt SOX17 protein function with a negative predictive value of 80%. In summary, the available evidence is currently insufficient to determine the role of this variant in disease. Therefore, it has been classified as a Variant of Uncertain Significance.